The following is an entry in ClinVar:

NM_000179.3(MSH6):c.-4C>A

Gene: MSH6 (mutS homolog 6; plus strand). Cytogenetic location: 2p16.3.
Variant type: single nucleotide variant.
Coding change: c.-4C>A on transcript NM_000179.3 (MANE Select); 4 bases upstream of the start codon, C replaced by A.
Molecular consequence: 5 prime UTR variant.
Genome position (GRCh38, 1-based): chr2:47,783,230, C>A. VCF-style: chr2-47783230-C-A. GRCh37 (hg19) VCF-style: chr2-48010369-C-A.
Other names: c.-4C>A (NM_001281492.2); c.-740C>A (NM_001281493.2).
Identifiers: ClinVar variation 428422 (VCV000428422.5), dbSNP rs1114167784, ClinGen allele CA645369268.

ClinVar aggregate classification (germline): Uncertain significance (1 of 4 stars; one submission).

Conditions:
Hereditary cancer-predisposing syndrome. Also called: Hereditary Cancer Syndrome; Neoplastic Syndromes, Hereditary; Hereditary neoplastic syndrome; Tumor predisposition. Identifiers: Orphanet 140162, MedGen C0027672, MeSH D009386, MONDO:0015356.

Submission:

Ambry Genetics
Classification: Uncertain significance for Hereditary cancer-predisposing syndrome. Last evaluated: 2016-05-31. Review status: criteria provided, single submitter. Criteria: Ambry Variant Classification Scheme 2023. Collection method: clinical testing. Allele origin: germline.
Comment: The c.-4C>A variant is located in the 5' untranslated region (5&rsquo;UTR) of the MSH6 gene. This variant results from a C to A substitution 4 bases upstream from the first translated codon. This variant was not reported in population based cohorts in the following databases: Database of Single Nucleotide Polymorphisms (dbSNP), NHLBI Exome Sequencing Project (ESP), and 1000 Genomes Project. In the ESP, this variant was not observed in 6478 samples (12956 alleles) with coverage at this position. To date, this alteration has been detected with an allele frequency of approximately 0.001% (greater than 150000 alleles tested) in our clinical cohort. This nucleotide position is well conserved in available vertebrate species. Since supporting evidence is limited at this time, the clinical significance of this alteration remains unclear.